The following is an entry in ClinVar:

NM_002739.5(PRKCG):c.989G>C (p.Ser330Thr)

Gene: PRKCG (protein kinase C gamma; plus strand). Cytogenetic location: 19q13.42.
Variant type: single nucleotide variant.
Coding change: c.989G>C on transcript NM_002739.5 (MANE Select); coding-DNA position 989, G replaced by C.
Protein change: p.Ser330Thr; replaces serine 330 with threonine.
Molecular consequence: missense variant.
Genome position (GRCh38, 1-based): chr19:53,898,008, G>C. VCF-style: chr19-53898008-G-C. GRCh37 (hg19) VCF-style: chr19-54401262-G-C.
Other names: c.989G>C, p.Ser330Thr (NM_001316329.2); short protein forms S330T.
Identifiers: ClinVar variation 3373767 (VCV003373767.1).

ClinVar aggregate classification (germline): Uncertain significance (1 of 4 stars; one submission).

gnomAD v4.1: 1 of 1,614,022 alleles (0.000062%); highest among the groups gnomAD compares: Non-Finnish European, 0.000085%; no homozygotes.

Submission:

GeneDx
Classification: Uncertain significance. Last evaluated: 2024-03-05. Review status: criteria provided, single submitter. Criteria: GeneDx Variant Classification Process June 2021. Collection method: clinical testing. Allele origin: germline. Affected: yes.
Comment: Not observed at significant frequency in large population cohorts (gnomAD); In silico analysis supports that this missense variant does not alter protein structure/function; Has not been previously published as pathogenic or benign to our knowledge